The following is an entry in ClinVar:

NM_016580.4(PCDH12):c.3413G>A (p.Arg1138Gln)

Gene: PCDH12 (protocadherin 12; minus strand). Cytogenetic location: 5q31.3.
Variant type: single nucleotide variant.
Coding change: c.3413G>A on transcript NM_016580.4 (MANE Select); coding-DNA position 3413, G replaced by A.
Protein change: p.Arg1138Gln; replaces arginine 1138 with glutamine.
Molecular consequence: missense variant.
Genome position (GRCh38, 1-based): chr5:141,945,523, C>T on the plus strand (G>A on the coding strand, the complement: PCDH12 is on the minus strand). VCF-style: chr5-141945523-C-T. GRCh37 (hg19) VCF-style: chr5-141325088-C-T.
Other names: short protein forms R1138Q.
Identifiers: ClinVar variation 1355501 (VCV001355501.8), dbSNP rs778552811, ClinGen allele CA3483962.

ClinVar aggregate classification (germline): Uncertain significance (1 of 4 stars; one submission).

Allele frequency attached by ClinVar (database versions not stated): gnomAD exomes 0.00001 and 0.00002; TOPMed 0.00001; ExAC 0.00002.

Submission:

Labcorp Genetics (formerly Invitae), Labcorp
Classification: Uncertain significance. Last evaluated: 2020-11-02. Review status: criteria provided, single submitter. Criteria: Invitae Variant Classification Sherloc (09022015). Collection method: clinical testing. Allele origin: germline.
Comment: In summary, the available evidence is currently insufficient to determine the role of this variant in disease. Therefore, it has been classified as a Variant of Uncertain Significance. Advanced modeling of protein sequence and biophysical properties (such as structural, functional, and spatial information, amino acid conservation, physicochemical variation, residue mobility, and thermodynamic stability) performed at Invitae indicates that this missense variant is not expected to disrupt PCDH12 protein function. This variant has not been reported in the literature in individuals with PCDH12-related conditions. This variant is present in population databases (rs778552811, ExAC 0.02%). This sequence change replaces arginine with glutamine at codon 1138 of the PCDH12 protein (p.Arg1138Gln). The arginine residue is moderately conserved and there is a small physicochemical difference between arginine and glutamine.